The following is an entry in ClinVar:

ClinVar aggregate classification (germline): Pathogenic (1 of 4 stars; one submission).

Conditions:
Primary ciliary dyskinesia 3. Identifiers: Orphanet 244, MedGen C1837618, MONDO:0012085, OMIM 608644.

Submission:

Myriad Genetics, Inc.
Classification: Pathogenic for Primary ciliary dyskinesia 3. Last evaluated: 2024-07-25. Review status: criteria provided, single submitter. Criteria: Myriad Autosomal Dominant, Autosomal Recessive and X-Linked Classification Criteria (2023). Collection method: clinical testing. Allele origin: unknown.
Comment: NM_001369.2(DNAH5):c.6353dupA(L2119Vfs*3) is expected to be pathogenic in the context of primary ciliary dyskinesia, DNAH5-related. This variant is predicted to lead to an abnormal or absent protein product due to the creation of a premature termination codon in DNAH5, a gene where loss-of-function variants are known to be pathogenic. Please note: this variant was assessed in the context of healthy population screening.

NM_001369.3(DNAH5):c.6353dup (p.Leu2119fs)

Gene: DNAH5 (dynein axonemal heavy chain 5; minus strand). Cytogenetic location: 5p15.2.
Variant type: Duplication.
Coding change: c.6353dup on transcript NM_001369.3 (MANE Select); coding-DNA position 6353, one base duplicated (A; older notation c.6353dupA).
Protein change: p.Leu2119fs; shifts the reading frame from leucine 2119.
Molecular consequence: frameshift variant.
Genome position (GRCh38, 1-based): chr5:13,829,601, T duplicated on the plus strand (A on the coding strand, the reverse complement: DNAH5 is on the minus strand); the first of 2 consecutive T bases (chr5:13,829,601-13,829,602); duplicating either gives the same sequence. VCF-style (leftmost placement, unchanged base first): chr5-13829600-C-CT. GRCh37 (hg19) VCF-style: chr5-13829709-C-CT.
Other names: short protein forms L2119fs.
Identifiers: ClinVar variation 5013359 (VCV005013359.1).